The following is an entry in ClinVar:

ClinVar aggregate classification (germline): Uncertain significance. Review status: criteria provided, multiple submitters, no conflicts (2 of 4 stars). 2 submissions from 2 submitters: Uncertain significance (2). Last evaluated 2022-07-15.

Conditions:
Ullrich congenital muscular dystrophy 2 (UCMD2). Identifiers: Orphanet 75840, MedGen C4225314, MONDO:0014654, OMIM 616470.
Bethlem myopathy 2 (BTHLM2). Identifiers: Orphanet 536516, Orphanet 610, MedGen C4225313, MONDO:0034022, OMIM 616471.

Allele frequency attached by ClinVar (database versions not stated): gnomAD exomes below 0.00001; ExAC 0.00001.
gnomAD v4.1: 4 of 1,614,138 alleles (0.00025%); highest among the groups gnomAD compares: South Asian, 0.0022%; no homozygotes.

Submissions (2):

Labcorp Genetics (formerly Invitae), Labcorp
Classification: Uncertain significance for Bethlem myopathy 2; Ullrich congenital muscular dystrophy 2. Last evaluated: 2022-07-15. Review status: criteria provided, single submitter. Criteria: Invitae Variant Classification Sherloc (09022015). Collection method: clinical testing. Allele origin: germline.
Comment: In summary, the available evidence is currently insufficient to determine the role of this variant in disease. Therefore, it has been classified as a Variant of Uncertain Significance. Algorithms developed to predict the effect of missense changes on protein structure and function are either unavailable or do not agree on the potential impact of this missense change (SIFT: "Deleterious"; PolyPhen-2: "Benign"; Align-GVGD: "Class C0"). This variant has not been reported in the literature in individuals affected with COL12A1-related conditions. This variant is present in population databases (rs769518880, gnomAD 0.0009%). This sequence change replaces histidine, which is basic and polar, with proline, which is neutral and non-polar, at codon 1638 of the COL12A1 protein (p.His1638Pro).

Victorian Clinical Genetics Services, Murdoch Childrens Research Institute
Classification: Uncertain significance for Bethlem myopathy 2. Last evaluated: 2019-08-28. Review status: criteria provided, single submitter. Criteria: ACMG Guidelines, 2015. Collection method: clinical testing. Allele origin: germline. Affected: yes.
Comment: A heterozygous missense variant was identified, NM_004370.5(COL12A1):c.4913A>C in exon 27 of 66 of the COL12A1 gene. This substitution is predicted to create a moderate amino acid change from histidine to proline at position 1638 of the protein, NP_004361.3(COL12A1):p.(His1638Pro). The histidine at this position has low conservation (100 vertebrates, UCSC), and is located within the Fibronectin type III functional domain. In silico software predictions of the pathogenicity of this variant are conflicting (PolyPhen, SIFT, CADD, MutationTaster). The variant is present in the gnomAD population database at a frequency of 0.0004% (1 heterozygote, 0 homozygotes). It has not been previously reported in clinical cases. Based on information available at the time of curation, this variant has been classified a VARIANT of UNCERTAIN SIGNIFICANCE (VUS).

NM_004370.6(COL12A1):c.4913A>C (p.His1638Pro)

Gene: COL12A1 (collagen type XII alpha 1 chain; minus strand). Cytogenetic location: 6q13.
Variant type: single nucleotide variant.
Coding change: c.4913A>C on transcript NM_004370.6 (MANE Select); coding-DNA position 4913, A replaced by C.
Protein change: p.His1638Pro; replaces histidine 1638 with proline.
Molecular consequence: missense variant.
Genome position (GRCh38, 1-based): chr6:75,142,076, T>G on the plus strand (A>C on the coding strand, the complement: COL12A1 is on the minus strand). VCF-style: chr6-75142076-T-G. GRCh37 (hg19) VCF-style: chr6-75851792-T-G.
Other names: c.4913A>C (NM_004370.5); c.1421A>C, p.His474Pro (NM_080645.3); short protein forms H1638P, H474P.
Identifiers: ClinVar variation 1722246 (VCV001722246.7), dbSNP rs769518880, ClinGen allele CA3893312.